The following is an entry in ClinVar:

ClinVar aggregate classification (germline): Uncertain significance (1 of 4 stars; one submission).

Conditions:
Bardet-Biedl syndrome (BBS). Identifiers: Orphanet 110, MedGen C0752166, MONDO:0015229.

Allele frequency attached by ClinVar (database versions not stated): gnomAD exomes below 0.00001.
gnomAD v4.1: 3 of 1,613,978 alleles (0.00019%); highest among the groups gnomAD compares: Non-Finnish European, 0.00017%; no homozygotes.

Submission:

Labcorp Genetics (formerly Invitae), Labcorp
Classification: Uncertain significance for Bardet-Biedl syndrome. Last evaluated: 2022-03-19. Review status: criteria provided, single submitter. Criteria: Invitae Variant Classification Sherloc (09022015). Collection method: clinical testing. Allele origin: germline.
Comment: In summary, the available evidence is currently insufficient to determine the role of this variant in disease. Therefore, it has been classified as a Variant of Uncertain Significance. Algorithms developed to predict the effect of missense changes on protein structure and function are either unavailable or do not agree on the potential impact of this missense change (SIFT: "Deleterious"; PolyPhen-2: "Benign"; Align-GVGD: "Class C0"). ClinVar contains an entry for this variant (Variation ID: 935451). This variant has not been reported in the literature in individuals affected with BBS10-related conditions. This variant is present in population databases (no rsID available, gnomAD 0.0009%). This sequence change replaces glycine, which is neutral and non-polar, with cysteine, which is neutral and slightly polar, at codon 209 of the BBS10 protein (p.Gly209Cys).

NM_024685.4(BBS10):c.625G>T (p.Gly209Cys)

Gene: BBS10 (Bardet-Biedl syndrome 10; minus strand). Cytogenetic location: 12q21.2.
Variant type: single nucleotide variant.
Coding change: c.625G>T on transcript NM_024685.4 (MANE Select); coding-DNA position 625, G replaced by T.
Protein change: p.Gly209Cys; replaces glycine 209 with cysteine.
Molecular consequence: missense variant.
Genome position (GRCh38, 1-based): chr12:76,347,360, C>A on the plus strand (G>T on the coding strand, the complement: BBS10 is on the minus strand). VCF-style: chr12-76347360-C-A. GRCh37 (hg19) VCF-style: chr12-76741140-C-A.
Other names: short protein forms G209C.
Identifiers: ClinVar variation 935451 (VCV000935451.9), dbSNP rs1396355979, ClinGen allele CA385814763.
Genomic context (GRCh38, chr12:76,347,360, plus strand): 5'-GAAGGCCAGTGACACCAACATTCAACTCTACAAAATGGTCATCCACTAACTCAAATACAC[C>A]AATCCCACTTTTACAAGTCATACACTTGAAAAAGTAGTCACACATCAACTGTGAAATAAA-3'
Protein context (NP_078961.3, residues 199-219): FKCMTCKSGI[Gly209Cys]VFELVDDHFV